The following is an entry in ClinVar:

NM_001497.4(B4GALT1):c.716A>G (p.Tyr239Cys)

Gene: B4GALT1 (beta-1,4-galactosyltransferase 1; minus strand). Cytogenetic location: 9p21.1.
Variant type: single nucleotide variant.
Coding change: c.716A>G on transcript NM_001497.4 (MANE Select); coding-DNA position 716, A replaced by G.
Protein change: p.Tyr239Cys; replaces tyrosine 239 with cysteine.
Molecular consequence: missense variant. On other transcripts: intron variant (1).
Genome position (GRCh38, 1-based): chr9:33,120,539, T>C on the plus strand (A>G on the coding strand, the complement: B4GALT1 is on the minus strand). VCF-style: chr9-33120539-T-C. GRCh37 (hg19) VCF-style: chr9-33120537-T-C.
Other names: c.677A>G, p.Tyr226Cys (NM_001378495.1); c.716A>G, p.Tyr239Cys (NM_001378496.1); c.648+14650A>G (NM_001378497.1); short protein forms Y239C, Y226C.
Identifiers: ClinVar variation 1933955 (VCV001933955.6), dbSNP rs766603925, ClinGen allele CA5023705.
Genomic context (GRCh38, chr9:33,120,539, plus strand): 5'-GCATTATGGTCATTCATTGGAATGAGGTCCACGTCACTAAACACAAAGCAGGTGTAGTCA[T>C]AGTCCTTCAAGGCTTCTTGAAAGCCAACATTGAGGAGCTTAGCACGATTGAATATAGTGT-3'
Protein context (NP_001488.2, residues 229-249): NVGFQEALKD[Tyr239Cys]DYTCFVFSDV

ClinVar aggregate classification (germline): Uncertain significance. Review status: criteria provided, multiple submitters, no conflicts (2 of 4 stars). 2 submissions from 2 submitters: Uncertain significance (2). Last evaluated 2025-10-13.

Conditions:
B4GALT1-congenital disorder of glycosylation. Also called: CDG IId; CONGENITAL DISORDER OF GLYCOSYLATION, TYPE IId; B4GALT1-CDG. Identifiers: Orphanet 79332, MedGen C2931009, MONDO:0011772, OMIM 607091.

Allele frequency attached by ClinVar (database versions not stated): gnomAD exomes 0.00001; gnomAD 0.00002; TOPMed 0.00002; ExAC 0.00003.
gnomAD v4.1: 21 of 1,614,110 alleles (0.0013%); highest among the groups gnomAD compares: Admixed American, 0.017%; no homozygotes.

Submissions (2):

Labcorp Genetics (formerly Invitae), Labcorp
Classification: Uncertain significance. Last evaluated: 2025-10-13. Review status: criteria provided, single submitter. Criteria: Invitae Variant Classification Sherloc (09022015). Collection method: clinical testing. Allele origin: germline.
Comment: This sequence change replaces tyrosine, which is neutral and polar, with cysteine, which is neutral and slightly polar, at codon 239 of the B4GALT1 protein (p.Tyr239Cys). This variant is present in population databases (rs766603925, gnomAD 0.01%). This variant has not been reported in the literature in individuals affected with B4GALT1-related conditions. ClinVar contains an entry for this variant (Variation ID: 1933955). Invitae Evidence Modeling of protein sequence and biophysical properties (such as structural, functional, and spatial information, amino acid conservation, physicochemical variation, residue mobility, and thermodynamic stability) indicates that this missense variant is expected to disrupt B4GALT1 protein function with a positive predictive value of 80%. In summary, the available evidence is currently insufficient to determine the role of this variant in disease. Therefore, it has been classified as a Variant of Uncertain Significance.

Neuberg Centre For Genomic Medicine, NCGM
Classification: Uncertain significance for B4GALT1-congenital disorder of glycosylation. Last evaluated: 2023-05-20. Review status: criteria provided, single submitter. Criteria: ACMG Guidelines, 2015. Collection method: clinical testing. Allele origin: germline. Inheritance: Autosomal recessive inheritance. Affected: yes.
Comment: The missense variant c.716A>G(p.Tyr239Cys) in B4GALT1 gene has not been reported previously as a pathogenic variant nor as a benign variant, to our knowledge. The observed variant has allele frequency of 0.003% in gnomAD exomes database. This variant has been submitted to the ClinVar database as Uncertain Significance. Multiple lines of computational evidence (Polyphen - possibly damaging, SIFT - tolerated and MutationTaster - disease causing) predicts conflicting evidence on protein structure and function for this variant. The reference amino acid change p.Tyr239Cys in B4GALT1 is predicted as conserved by GERP++ and PhyloP across 100 vertebrates. The amino acid Tyr at position 239 is changed to a Cys changing protein sequence and it might alter its composition and physico-chemical properties. For these reasons, this variant has been classified as Uncertain Significance (VUS).